The following is an entry in ClinVar:

NM_000203.5(IDUA):c.1163C>G (p.Thr388Arg)

Gene: IDUA (alpha-L-iduronidase; plus strand). Cytogenetic location: 4p16.3.
Variant type: single nucleotide variant.
Coding change: c.1163C>G on transcript NM_000203.5 (MANE Select); coding-DNA position 1163, C replaced by G.
Protein change: p.Thr388Arg; replaces threonine 388 with arginine.
Molecular consequence: missense variant. On other transcripts: non-coding transcript variant (1).
Genome position (GRCh38, 1-based): chr4:1,002,459, C>G. VCF-style: chr4-1002459-C-G. GRCh37 (hg19) VCF-style: chr4-996247-C-G.
Other names: NM_000203.5(IDUA):c.1163C>G; c.767C>G, p.Thr256Arg (NM_001363576.1); short protein forms T388R, T256R.
Identifiers: ClinVar variation 496834 (VCV000496834.26), dbSNP rs794727896, ClinGen allele CA91169370.
Genomic context (GRCh38, chr4:1,002,459, plus strand): 5'-GCTTCCAGGTCAACAACACCCGCCCGCCGCACGTGCAGCTGTTGCGCAAGCCGGTGCTCA[C>G]GGCCATGGGGCTGCTGGCGCTGCTGGGTGAGCCGGGGCCGCTGGGGTGGGCCGGCCAGGG-3'
Protein context (NP_000194.2, residues 378-398): HVQLLRKPVL[Thr388Arg]AMGLLALLDE

ClinVar aggregate classification (germline): Likely pathogenic. Review status: reviewed by expert panel (3 of 4 stars). 9 submissions from 9 submitters: Likely pathogenic (1). 8 of the submissions do not count toward it. Last evaluated 2024-12-06.

Conditions:
IDUA-related disorder. Also called: IDUA-related condition.
Mucopolysaccharidosis type 1. Also called: Mucopolysaccharidosis Type I; IDUA deficiency; MPS I. Identifiers: Orphanet 579, MedGen C0023786, MONDO:0001586.
Hurler syndrome. Also called: Severe MPS I (Hurler Syndrome); MUCOPOLYSACCHARIDOSIS TYPE IH; Gargoylism, Hurler Syndrome. Identifiers: Orphanet 93473, MedGen C0086795, MONDO:0011758, OMIM 607014.

Allele frequency attached by ClinVar (database versions not stated): gnomAD 0.00001 and 0.00002; TOPMed 0.00002.
gnomAD v4.1: 69 of 1,553,226 alleles (0.0044%); highest among the groups gnomAD compares: Non-Finnish European, 0.006%; no homozygotes.

Submissions (9):

ClinGen Lysosomal Storage Disorder Variant Curation Expert Panel
Classification: Likely pathogenic for Mucopolysaccharidosis type 1. Last evaluated: 2024-12-06. Review status: reviewed by expert panel. Criteria: ClinGen LSD ACMG Specifications IDUA V1.0.0. Collection method: curation. Allele origin: germline. Inheritance: Autosomal recessive inheritance.
Comment: The NM_000203.5:c.1163C>G variant in IDUA is a missense variant predicted to cause substitution of threonine by arginine at amino acid 388 (p.Thr388Arg). Two patients with this variant had IDUA deficiency within the affected range in leukocytes (specific values not provided) and clinical features specific to MPS I including corneal clouding (PMID: 17606547, 30120129). This variant has been detected in at least 10 individuals with MPS I who were heterozygous for the variant and a pathogenic or likely pathogenic variant classified by the ClinGen Lysosomal Diseases VCEP (variants: c.1139A>G, c.1205G>A, c.1855C>T, c.1861C>T); however, phase was not confirmed in any case (PMID: 14516901, 17606547, 21253827, 21963080, 28752568, 30120129) (PM3_Strong). The highest population minor allele frequency in gnomAD v4.1.0. is 0.00006003 (69/1149360 alleles) in the NFE population (gnomAD v2.1.1 is 0.00001342 with 1/74540 alleles in the NFE population), which is lower than the ClinGen Lysosomal Diseases VCEP’s threshold for PM2_Supporting (<0.00025), meeting this criterion (PM2_Supporting). The computational predictor REVEL gives a score of 0.824 which is above the threshold of 0.773, evidence that correlates with impact to IDUA function at the moderate level based on the specifications of the ClinGen Lysosomal Diseases VCEP (PMID: 36413997) (PP3_Moderate). In summary, this variant meets the criteria to be classified as Likely Pathogenic for MPS I based on the IDUA-specific ACMG/AMP criteria applied, as specified by the ClinGen Lysosomal Diseases Variant Curation Expert Panel (Specifications Version 1.0.0): PM3_Strong, PM2_Supporting, PP3_Moderate, PP4. (Classification approved by the ClinGen Lysosomal Diseases Variant Curation Expert Panel on December 6, 2024)

PreventionGenetics, part of Exact Sciences
Classification: Pathogenic for IDUA-related condition. Last evaluated: 2026-05-26. Review status: criteria provided, single submitter. Criteria: ACMG Guidelines, 2015. Collection method: clinical testing. Allele origin: germline. Not counted in ClinVar's aggregate classification.
Comment: The IDUA c.1163C>G variant is predicted to result in the amino acid substitution p.Thr388Arg. This variant has been reported in multiple individuals with mucopolysaccharidosis I (see for example: Table 3, Gardner et al. 2011. PubMed ID: 21253827; Table 1, Braunlin et al. 2003. PubMed ID: 14516901; Table 1, Kwak et al. 2016. PubMed ID: 27520059; Table S1, Ghosh et al. 2017. PubMed ID: 28752568; Table 2, Wang et al. 2011. PubMed ID: 21963080; Table 1, Wraith et al. 2007. PubMed ID: 17606547). This variant was determined to be likely pathogenic by a ClinGen expert group in ClinVar (Variation ID: 496834). This variant is reported in 0.0013% of alleles in individuals of European (Non-Finnish) descent in gnomAD. This variant is interpreted as pathogenic.

Labcorp Genetics (formerly Invitae), Labcorp
Classification: Pathogenic for Mucopolysaccharidosis type 1. Last evaluated: 2025-04-21. Review status: criteria provided, single submitter. Criteria: Invitae Variant Classification Sherloc (09022015). Collection method: clinical testing. Allele origin: germline. Not counted in ClinVar's aggregate classification.
Comment: This sequence change replaces threonine, which is neutral and polar, with arginine, which is basic and polar, at codon 388 of the IDUA protein (p.Thr388Arg). This variant is present in population databases (no rsID available, gnomAD 0.003%). This missense change has been observed in individual(s) with mucopolysaccharidosis Type I (PMID: 14516901, 17606547, 21253827, 21963080, 28752568). ClinVar contains an entry for this variant (Variation ID: 496834). Invitae Evidence Modeling of protein sequence and biophysical properties (such as structural, functional, and spatial information, amino acid conservation, physicochemical variation, residue mobility, and thermodynamic stability) indicates that this missense variant is expected to disrupt IDUA protein function with a positive predictive value of 95%. This variant disrupts the p.Thr388 amino acid residue in IDUA. Other variant(s) that disrupt this residue have been observed in individuals with IDUA-related conditions (PMID: 27520059), which suggests that this may be a clinically significant amino acid residue. For these reasons, this variant has been classified as Pathogenic.

Revvity Omics, Revvity
Classification: Likely pathogenic. Last evaluated: 2025-03-10. Review status: criteria provided, single submitter. Criteria: ACMG Guidelines, 2015. Collection method: clinical testing. Allele origin: germline. Not counted in ClinVar's aggregate classification.

Natera, Inc.
Classification: Pathogenic for Mucopolysaccharidosis type I. Last evaluated: 2024-09-17. Review status: criteria provided, single submitter. Criteria: Natera Variant Classification Schema (03/2026). Collection method: clinical testing. Allele origin: germline. Not counted in ClinVar's aggregate classification.
Comment: The c.1163C>G variant in IDUA is a missense variant predicted to cause substitution of threonine to arginine at amino acid 388. This variant is rare in the general population with a frequency below the threshold expected for the associated phenotype(s). This variant has been observed in one or more individuals affected with the associated recessive disease, as either homozygous or compound heterozygous with a second variant (PMID: 28752568). Given the available evidence, this variant is classified as Pathogenic.

Women's Health and Genetics/Laboratory Corporation of America, LabCorp
Classification: Pathogenic for Mucopolysaccharidosis type 1. Last evaluated: 2022-10-05. Review status: criteria provided, single submitter. Criteria: LabCorp Variant Classification Summary - May 2015. Collection method: clinical testing. Allele origin: germline. Not counted in ClinVar's aggregate classification.
Comment: Variant summary: IDUA c.1163C>G (p.Thr388Arg) results in a non-conservative amino acid change in the encoded protein sequence. Five of five in-silico tools predict a damaging effect of the variant on protein function. The variant was absent in 153708 control chromosomes. c.1163C>G has been reported in the literature in multiple individuals affected with Mucopolysaccharidosis Type 1 (e.g. Wang_2011, Ghosh_2017). These data indicate that the variant is very likely to be associated with disease. Six clinical diagnostic laboratories have submitted clinical-significance assessments for this variant to ClinVar after 2014 and classified the variant as pathogenic/likely pathogenic. Based on the evidence outlined above, the variant was classified as pathogenic.

Broad Center for Mendelian Genomics, Broad Institute of MIT and Harvard
Classification: Pathogenic for Mucopolysaccharidosis type 1. Last evaluated: 2020-01-14. Review status: criteria provided, single submitter. Criteria: ACMG Guidelines, 2015. Collection method: curation. Allele origin: germline. Inheritance: Autosomal recessive inheritance. Not counted in ClinVar's aggregate classification.
Comment: The p.Thr388Arg variant in IDUA has been reported in at least 9 individuals with mucopolysaccharidosis (MPS) (PMID: 28752568, 21963080, 28728811, 21253827) and has been identified in 0.001% (1/74540) of European (non-Finnish) chromosomes by the Genome Aggregation Database (gnomAD; dbSNP rs794727896). Although this variant has been seen in the general population, its frequency is low enough to be consistent with a recessive carrier frequency. This variant has also been reported in ClinVar (VariationID: 496834) as likely pathogenic by EGL Genetic Diagnostics and Counsyl. Computational prediction tools and conservation analyses suggest that this variant may impact the protein, though this information is not predictive enough to determine pathogenicity. The presence of this variant in combination with reported pathogenic variants in at least 7 individuals with MPS increases the likelihood that the p.Thr388Arg variant is pathogenic (VariationID: 11908, 11910, 550799, 11917; PMID: 28752568, 21963080, 28728811, 21253827). In summary, this variant meets criteria to be classified as pathogenic for MPS in an autosomal recessive manner based on the presence of the variant in combination with other pathogenic variants in individuals with MPS, its low frequency in the general population, and computational evidence. ACMG/AMP Criteria applied: PM3_very-strong, PM2, PP3 (Richards 2015).

Eurofins Ntd Llc (ga)
Classification: Likely pathogenic. Last evaluated: 2017-01-13. Review status: criteria provided, single submitter. Criteria: EGL Classification Definitions 2015. Collection method: clinical testing. Allele origin: germline. Observed: 3 variant alleles, 3 heterozygotes. Not counted in ClinVar's aggregate classification.

Counsyl
Classification: Likely pathogenic for Hurler syndrome. Last evaluated: 2017-02-01. Review status: no assertion criteria provided. Collection method: clinical testing. Allele origin: unknown. Not counted in ClinVar's aggregate classification.

Literature cited by the submitters: PubMed 14516901 (cited by Labcorp Genetics (formerly Invitae), Labcorp and Counsyl); PubMed 17606547 (cited by Labcorp Genetics (formerly Invitae), Labcorp and Counsyl); PubMed 21253827 (cited by 3 submitters); PubMed 21963080 (cited by 4 submitters); PubMed 28752568 (cited by 4 submitters); PubMed 27520059 (cited by Labcorp Genetics (formerly Invitae), Labcorp); PubMed 28728811 (cited by Broad Center for Mendelian Genomics, Broad Institute of MIT and Harvard).